The following is an entry in ClinVar:

ClinVar aggregate classification (germline): Likely pathogenic (1 of 4 stars; one submission).

Conditions:
Pendred syndrome (PDS). Also called: Pendred Syndrome (PDS); DEAFNESS WITH GOITER; Pendred's syndrome; GOITER-DEAFNESS SYNDROME; HYPOTHYROIDISM, CONGENITAL, DUE TO DYSHORMONOGENESIS, 2B; THYROID DYSHORMONOGENESIS 2B. Identifiers: Orphanet 705, MedGen C0271829, MONDO:0010134, OMIM 274600.

Submission:

Women's Health and Genetics/Laboratory Corporation of America, LabCorp
Classification: Likely pathogenic for Pendred syndrome. Last evaluated: 2025-07-02. Review status: criteria provided, single submitter. Criteria: LabCorp Variant Classification Summary - May 2015. Collection method: clinical testing. Allele origin: germline.
Comment: Variant summary: SLC26A4 c.230A>T (p.Lys77Ile) results in a non-conservative amino acid change in the encoded protein sequence. Algorithms developed to predict the effect of missense changes on protein structure and function are either unavailable or do not agree on the potential impact of this missense change. The variant was absent in 251494 control chromosomes (gnomAD). c.230A>T has been observed in individuals affected with features of Pendred Syndrome (e.g., Wu_2005, Dai_2008, Chai_2013). These data indicate that the variant is likely to be associated with disease. To our knowledge, no experimental evidence demonstrating an impact on protein function has been reported. The following publications have been ascertained in the context of this evaluation (PMID: 15933521, 19040761, 23918157). No submitters have cited clinical-significance assessments for this variant to ClinVar. Based on the evidence outlined above, the variant was classified as likely pathogenic.

Literature cited by the submitters: PubMed 23918157; PubMed 19040761; PubMed 15933521.

NM_000441.2(SLC26A4):c.230A>T (p.Lys77Ile)

Gene: SLC26A4 (solute carrier family 26 member 4; plus strand). Cytogenetic location: 7q22.3.
Variant type: single nucleotide variant.
Coding change: c.230A>T on transcript NM_000441.2 (MANE Select); coding-DNA position 230, A replaced by T.
Protein change: p.Lys77Ile; replaces lysine 77 with isoleucine.
Molecular consequence: missense variant.
Genome position (GRCh38, 1-based): chr7:107,663,361, A>T. VCF-style: chr7-107663361-A-T. GRCh37 (hg19) VCF-style: chr7-107303806-A-T.
Other names: short protein forms K77I.
Identifiers: ClinVar variation 3911977 (VCV003911977.2).